The following is an entry in ClinVar:

NM_017617.5(NOTCH1):c.6025G>A (p.Gly2009Ser)

Genes: NOTCH1 (notch receptor 1; minus strand), LOC126860794 (BRD4-independent group 4 enhancer GRCh37_chr9:139392592-139393791; plus strand). Cytogenetic location: 9q34.3.
Variant type: single nucleotide variant.
Coding change: c.6025G>A on transcript NM_017617.5 (MANE Select); coding-DNA position 6025, G replaced by A.
Protein change: p.Gly2009Ser; replaces glycine 2009 with serine.
Molecular consequence: missense variant.
Genome position (GRCh38, 1-based): chr9:136,499,169, C>T on the plus strand (G>A on the coding strand, the complement: NOTCH1 is on the minus strand). VCF-style: chr9-136499169-C-T. GRCh37 (hg19) VCF-style: chr9-139393621-C-T.
Other names: short protein forms G2009S.
Identifiers: ClinVar variation 1440102 (VCV001440102.6), dbSNP rs1842960316, ClinGen allele CA375634464.

ClinVar aggregate classification (germline): Uncertain significance (1 of 4 stars; one submission).

Conditions:
Adams-Oliver syndrome 5 (AOS5). Identifiers: Orphanet 974, MedGen C4014970, MONDO:0014459, OMIM 616028.

Allele frequency attached by ClinVar (database versions not stated): gnomAD exomes below 0.00001; gnomAD 0.00001; TOPMed 0.00001.
gnomAD v4.1: 3 of 1,613,250 alleles (0.00019%); highest among the groups gnomAD compares: Admixed American, 0.0033%; no homozygotes.

Submission:

Labcorp Genetics (formerly Invitae), Labcorp
Classification: Uncertain significance for Adams-Oliver syndrome 5. Last evaluated: 2023-10-13. Review status: criteria provided, single submitter. Criteria: Invitae Variant Classification Sherloc (09022015). Collection method: clinical testing. Allele origin: germline.
Comment: This sequence change replaces glycine, which is neutral and non-polar, with serine, which is neutral and polar, at codon 2009 of the NOTCH1 protein (p.Gly2009Ser). This variant is not present in population databases (gnomAD no frequency). This variant has not been reported in the literature in individuals affected with NOTCH1-related conditions. ClinVar contains an entry for this variant (Variation ID: 1440102). Advanced modeling of protein sequence and biophysical properties (such as structural, functional, and spatial information, amino acid conservation, physicochemical variation, residue mobility, and thermodynamic stability) performed at Invitae indicates that this missense variant is expected to disrupt NOTCH1 protein function. In summary, the available evidence is currently insufficient to determine the role of this variant in disease. Therefore, it has been classified as a Variant of Uncertain Significance.